The following is an entry in ClinVar:

ClinVar aggregate classification (germline): Uncertain significance (1 of 4 stars; one submission).

Conditions:
Neurofibromatosis, type 1 (NF1). Also called: VON RECKLINGHAUSEN DISEASE; NEUROFIBROMATOSIS, TYPE I, SOMATIC; Peripheral type neurofibromatosis; Neurofibromatosis, type I. Identifiers: Orphanet 636, MedGen C0027831, MONDO:0018975, OMIM 162200. Disease mechanism: loss of function.

Allele frequency attached by ClinVar (database versions not stated): gnomAD exomes below 0.00001; gnomAD 0.00001; TOPMed 0.00001.
gnomAD v4.1: 2 of 1,613,006 alleles (0.00012%); highest among the groups gnomAD compares: Admixed American, 0.0017%; no homozygotes.

Submission:

Labcorp Genetics (formerly Invitae), Labcorp
Classification: Uncertain significance for Neurofibromatosis, type 1. Last evaluated: 2023-04-12. Review status: criteria provided, single submitter. Criteria: Invitae Variant Classification Sherloc (09022015). Collection method: clinical testing. Allele origin: germline.
Comment: In summary, the available evidence is currently insufficient to determine the role of this variant in disease. Therefore, it has been classified as a Variant of Uncertain Significance. Advanced modeling of protein sequence and biophysical properties (such as structural, functional, and spatial information, amino acid conservation, physicochemical variation, residue mobility, and thermodynamic stability) performed at Invitae indicates that this missense variant is not expected to disrupt NF1 protein function. ClinVar contains an entry for this variant (Variation ID: 654535). This variant has not been reported in the literature in individuals affected with NF1-related conditions. This variant is not present in population databases (gnomAD no frequency). This sequence change replaces asparagine, which is neutral and polar, with serine, which is neutral and polar, at codon 1004 of the NF1 protein (p.Asn1004Ser).

NM_001042492.3(NF1):c.3011A>G (p.Asn1004Ser)

Gene: NF1 (neurofibromin 1; plus strand). Cytogenetic location: 17q11.2.
Variant type: single nucleotide variant.
Coding change: c.3011A>G on transcript NM_001042492.3 (MANE Select); coding-DNA position 3011, A replaced by G.
Protein change: p.Asn1004Ser; replaces asparagine 1004 with serine.
Molecular consequence: missense variant.
Genome position (GRCh38, 1-based): chr17:31,230,280, A>G. VCF-style: chr17-31230280-A-G. GRCh37 (hg19) VCF-style: chr17-29557298-A-G.
Other names: c.3011A>G, p.Asn1004Ser (NM_000267.4); short protein forms N1004S.
Identifiers: ClinVar variation 654535 (VCV000654535.5), dbSNP rs1475800240, ClinGen allele CA398986571.
Genomic context (GRCh38, chr17:31,230,280, plus strand): 5'-TATATCTGATAATTTTTTTATTGTTTCTATGTCTATATAGGTATGTTCGTGTGCTTGGGA[A>G]TATGGTCCATGCAATTCAAATAAAAACGAAACTGTGTCAATTAGTTGAAGTAATGATGGC-3'
Protein context (NP_001035957.1, residues 994-1014): NLVRYVRVLG[Asn1004Ser]MVHAIQIKTK